The following is an entry in ClinVar:

ClinVar aggregate classification (germline): Benign/Likely benign. Review status: criteria provided, multiple submitters, no conflicts (2 of 4 stars). 11 submissions from 11 submitters: Benign (6); Likely benign (3). 2 of the submissions do not count toward it. Last evaluated 2026-02-04.

Conditions:
Autosomal recessive nonsyndromic hearing loss 77. Identifiers: Orphanet 90636, MedGen C2746083, MONDO:0013119, OMIM 613079.

Allele frequency attached by ClinVar (database versions not stated): 1000 Genomes Project 0.02236; 1000 Genomes Project 30x 0.02249; TOPMed 0.02322; gnomAD 0.02382 and 0.02492; ESP Exome Variant Server 0.02979; gnomAD exomes 0.03096 and 0.03226; ExAC 0.04572.

Submissions (11):

Labcorp Genetics (formerly Invitae), Labcorp
Classification: Benign. Last evaluated: 2026-02-04. Review status: criteria provided, single submitter. Criteria: Invitae Variant Classification Sherloc (09022015). Collection method: clinical testing. Allele origin: germline.

Mayo Clinic Laboratories, Mayo Clinic
Classification: Benign. Last evaluated: 2022-04-17. Review status: criteria provided, single submitter. Criteria: ACMG Guidelines, 2015. Collection method: clinical testing. Allele origin: germline. Observed: 8 variant alleles.

Women's Health and Genetics/Laboratory Corporation of America, LabCorp
Classification: Benign. Last evaluated: 2022-02-18. Review status: criteria provided, single submitter. Criteria: LabCorp Variant Classification Summary - May 2015. Collection method: clinical testing. Allele origin: germline.
Comment: Variant summary: LOXHD1 c.2T>A (p.Met1Lys) alters the initiation codon and is predicted to result either in absence of the protein or truncation of the encoded protein due to translation initiation at a downstream codon. An alternative downstream in-frame start codon (Met2) is located in the encoded protein. One of two in-silico tools predict a benign effect of the variant on protein function. The variant allele was found at a frequency of 0.032 in 154084 control chromosomes, predominantly at a frequency of 0.064 within the South Asian subpopulation in the gnomAD database, including 69 homozygotes. The observed variant frequency within South Asian control individuals in the gnomAD database is approximately 57 fold of the estimated maximal expected allele frequency for a pathogenic variant in LOXHD1 causing Nonsyndromic Hearing Loss And Deafness, Type 77 phenotype (0.0011), strongly suggesting that the variant is a benign polymorphism found primarily in populations of South Asian origin. To our knowledge, no experimental evidence demonstrating its impact on protein function have been reported. Seven ClinVar submitters (evaluation after 2014) cite the variant as benign (n=5) and likely benign (n=2). Based on the evidence outlined above, the variant was classified as benign.

Genome-Nilou Lab
Classification: Likely benign for Autosomal recessive nonsyndromic hearing loss 77. Last evaluated: 2021-07-10. Review status: criteria provided, single submitter. Criteria: ACMG Guidelines, 2015. Collection method: clinical testing. Allele origin: germline. Affected: no.

Athena Diagnostics
Classification: Benign. Last evaluated: 2018-08-31. Review status: criteria provided, single submitter. Criteria: Athena Diagnostics Criteria. Collection method: clinical testing. Allele origin: germline.

Illumina Laboratory Services, Illumina
Classification: Likely benign for Autosomal recessive nonsyndromic hearing loss 77. Last evaluated: 2018-01-12. Review status: criteria provided, single submitter. Criteria: ICSL Variant Classification Criteria 13 December 2019. Collection method: clinical testing. Allele origin: germline.
Comment: This variant was observed in the ICSL laboratory as part of a predisposition screen in an ostensibly healthy population. It had not been previously curated by ICSL or reported in the Human Gene Mutation Database (HGMD: prior to June 1st, 2018), and was therefore a candidate for classification through an automated scoring system. Utilizing variant allele frequency, disease prevalence and penetrance estimates, and inheritance mode, an automated score was calculated to assess if this variant is too frequent to cause the disease. Based on the score and internal cut-off values, a variant classified as likely benign is not then subjected to further curation. The score for this variant resulted in a classification of likely benign for this disease.

GeneDx
Classification: Benign. Last evaluated: 2017-08-25. Review status: criteria provided, single submitter. Criteria: GeneDx Variant Classification (06012015). Collection method: clinical testing. Allele origin: germline. Affected: yes.
Comment: This variant is considered likely benign or benign based on one or more of the following criteria: it is a conservative change, it occurs at a poorly conserved position in the protein, it is predicted to be benign by multiple in silico algorithms, and/or has population frequency not consistent with disease.

Laboratory for Molecular Medicine, Mass General Brigham Personalized Medicine
Classification: Benign. Last evaluated: 2012-12-20. Review status: criteria provided, single submitter. Criteria: LMM Criteria. Collection method: clinical testing. Allele origin: germline. Observed: 106 variant alleles.
Comment: This variant has been identified in 4% (127/3182) of European American chromosom es from a broad population by the NHLBI Exome Sequencing Project (.; dbSNP rs36024592) . There is also a second Met amino acid t hat may serve as the start of translation.

Breakthrough Genomics
Classification: Likely benign. Review status: criteria provided, single submitter. Criteria: ACMG Guidelines, 2015. Collection method: not provided. Allele origin: germline. Inheritance: Autosomal recessive inheritance. Affected: yes.

Natera, Inc.
Classification: Benign for Autosomal recessive deafness type 77. Last evaluated: 2020-09-16. Review status: no assertion criteria provided. Collection method: clinical testing. Allele origin: germline. Not counted in ClinVar's aggregate classification.

Counsyl
Classification: Benign for Autosomal recessive nonsyndromic hearing loss 77. Last evaluated: 2017-03-06. Review status: no assertion criteria provided. Collection method: clinical testing. Allele origin: unknown. Not counted in ClinVar's aggregate classification.

NM_001384474.1(LOXHD1):c.2T>A (p.Met1Lys)

Gene: LOXHD1 (lipoxygenase homology PLAT domains 1; minus strand). Cytogenetic location: 18q21.1.
Variant type: single nucleotide variant.
Coding change: c.2T>A on transcript NM_001384474.1 (MANE Select); coding-DNA position 2, T replaced by A.
Protein change: p.Met1Lys; changes the start codon (methionine 1).
Molecular consequence: missense variant, initiator codon variant.
Genome position (GRCh38, 1-based): chr18:46,657,032, A>T on the plus strand (T>A on the coding strand, the complement: LOXHD1 is on the minus strand). VCF-style: chr18-46657032-A-T. GRCh37 (hg19) VCF-style: chr18-44236995-A-T.
Other names: c.2T>A, p.Met1Lys (NM_144612.7); short protein forms M1K.
Identifiers: ClinVar variation 47932 (VCV000047932.27), dbSNP rs36024592, ClinGen allele CA142210.
Genomic context (GRCh38, chr18:46,657,032, plus strand): 5'-GCTTCGTACAGGGCCAGGAAGTCGATGTCCTTCTTCCTCCGCCTTTTCTTCTGGGGCATC[A>T]TTCTGTCGGCTGCCTTCTCCCAGCGCTCGCAGGCTCACTGTGCCGCCTCCTCACACCTGC-3'
Protein context (NP_001371403.1, residues 1-11): [Met1Lys]MPQKKRRRKK